The following is an entry in ClinVar:

ClinVar aggregate classification (germline): Uncertain significance (1 of 4 stars; one submission).

Submission:

Labcorp Genetics (formerly Invitae), Labcorp
Classification: Uncertain significance. Last evaluated: 2024-03-07. Review status: criteria provided, single submitter. Criteria: Invitae Variant Classification Sherloc (09022015). Collection method: clinical testing. Allele origin: germline.
Comment: This sequence change replaces leucine, which is neutral and non-polar, with valine, which is neutral and non-polar, at codon 595 of the DRP2 protein (p.Leu595Val). This variant is not present in population databases (gnomAD no frequency). This variant has not been reported in the literature in individuals affected with DRP2-related conditions. Advanced modeling of protein sequence and biophysical properties (such as structural, functional, and spatial information, amino acid conservation, physicochemical variation, residue mobility, and thermodynamic stability) has been performed at Invitae for this missense variant, however the output from this modeling did not meet the statistical confidence thresholds required to predict the impact of this variant on DRP2 protein function. In summary, the available evidence is currently insufficient to determine the role of this variant in disease. Therefore, it has been classified as a Variant of Uncertain Significance.

NM_001939.3(DRP2):c.1783C>G (p.Leu595Val)

Gene: DRP2 (dystrophin related protein 2; plus strand). Cytogenetic location: Xq22.1.
Variant type: single nucleotide variant.
Coding change: c.1783C>G on transcript NM_001939.3 (MANE Select); coding-DNA position 1783, C replaced by G.
Protein change: p.Leu595Val; replaces leucine 595 with valine.
Molecular consequence: missense variant.
Genome position (GRCh38, 1-based): chrX:101,251,001, C>G. VCF-style: chrX-101251001-C-G. GRCh37 (hg19) VCF-style: chrX-100505990-C-G.
Other names: c.1549C>G, p.Leu517Val (NM_001171184.2); short protein forms L595V, L517V.
Identifiers: ClinVar variation 3644844 (VCV003644844.2).